The following is an entry in ClinVar:

NM_004247.4(EFTUD2):c.2467-4G>T

Gene: EFTUD2 (elongation factor Tu GTP binding domain containing 2; minus strand). Cytogenetic location: 17q21.31.
Variant type: single nucleotide variant.
Coding change: c.2467-4G>T on transcript NM_004247.4 (MANE Select); 4 bases into the intron before coding-DNA position 2467, G replaced by T.
Molecular consequence: intron variant.
Genome position (GRCh38, 1-based): chr17:44,853,394, C>A on the plus strand (G>T on the coding strand, the complement: EFTUD2 is on the minus strand). VCF-style: chr17-44853394-C-A. GRCh37 (hg19) VCF-style: chr17-42930762-C-A.
Other names: c.2362-4G>T (NM_001142605.2); c.2437-4G>T (NM_001258354.2); c.2467-4G>T (NM_001258353.2).
Identifiers: ClinVar variation 3051595 (VCV003051595.6), dbSNP rs201620556, ClinGen allele CA8607461.

ClinVar aggregate classification (germline): Likely benign. Review status: criteria provided, multiple submitters, no conflicts (2 of 4 stars). 4 submissions from 4 submitters: Likely benign (3). 1 of the submissions does not count toward it. Last evaluated 2026-06-12.

Conditions:
EFTUD2-related disorder. Also called: EFTUD2-related condition.

Allele frequency attached by ClinVar (database versions not stated): ExAC 0.00003; gnomAD 0.00003; TOPMed 0.00006; 1000 Genomes Project 30x 0.00016; 1000 Genomes Project 0.00020.
gnomAD v4.1: 124 of 1,614,142 alleles (0.0077%); highest among the groups gnomAD compares: Non-Finnish European, 0.0099%; no homozygotes.

Submissions (4):

Women's Health and Genetics/Laboratory Corporation of America, LabCorp
Classification: Likely benign. Last evaluated: 2026-06-12. Review status: criteria provided, single submitter. Criteria: LabCorp Variant Classification Summary - May 2015. Collection method: clinical testing. Allele origin: germline.

Labcorp Genetics (formerly Invitae), Labcorp
Classification: Likely benign. Last evaluated: 2024-04-16. Review status: criteria provided, single submitter. Criteria: Invitae Variant Classification Sherloc (09022015). Collection method: clinical testing. Allele origin: germline.

Blueprint Genetics
Classification: Likely benign. Last evaluated: 2024-01-04. Review status: criteria provided, single submitter. Criteria: ACMG Guidelines, 2015. Collection method: clinical testing. Allele origin: germline.

PreventionGenetics, part of Exact Sciences
Classification: Likely benign for EFTUD2-related condition. Last evaluated: 2021-07-15. Review status: no assertion criteria provided. Collection method: clinical testing. Allele origin: germline. Not counted in ClinVar's aggregate classification.
Comment: This variant is classified as likely benign based on ACMG/AMP sequence variant interpretation guidelines (Richards et al. 2015 PMID: 25741868, with internal and published modifications).